The following is an entry in ClinVar:

ClinVar aggregate classification (germline): Conflicting classifications of pathogenicity. Review status: criteria provided, conflicting classifications (1 of 4 stars). 2 submissions from 2 submitters: Uncertain significance (1); Benign (1). Last evaluated 2025-08-13.

Conditions:
Inborn genetic diseases. Identifiers: MedGen C0950123, MeSH D030342.
Ichthyosis bullosa of Siemens (IBS). Also called: Superficial epidermolytic ichthyosis. Identifiers: Orphanet 455, MedGen C0432306, MONDO:0007813, OMIM 146800.

Allele frequency attached by ClinVar (database versions not stated): 1000 Genomes Project below 0.00001; ESP Exome Variant Server 0.00008; gnomAD 0.00010; TOPMed 0.00010.
gnomAD v4.1: 41 of 1,614,054 alleles (0.0025%); highest among the groups gnomAD compares: African/African-American, 0.025%; no homozygotes.

Submissions (2):

Ambry Genetics
Classification: Uncertain significance for Inborn genetic diseases. Last evaluated: 2025-08-13. Review status: criteria provided, single submitter. Criteria: Ambry Variant Classification Scheme 2023. Collection method: clinical testing. Allele origin: germline.

Illumina Laboratory Services, Illumina
Classification: Benign for Ichthyosis bullosa of Siemens. Last evaluated: 2018-01-13. Review status: criteria provided, single submitter. Criteria: ICSL Variant Classification Criteria 13 December 2019. Collection method: clinical testing. Allele origin: germline.
Comment: This variant was observed in the ICSL laboratory as part of a predisposition screen in an ostensibly healthy population. It had not been previously curated by ICSL or reported in the Human Gene Mutation Database (HGMD: prior to June 1st, 2018), and was therefore a candidate for classification through an automated scoring system. Utilizing variant allele frequency, disease prevalence and penetrance estimates, and inheritance mode, an automated score was calculated to assess if this variant is too frequent to cause the disease. Based on the score and internal cut-off values, a variant classified as benign is not then subjected to further curation. The score for this variant resulted in a classification of benign for this disease.

NM_000423.3(KRT2):c.1699G>A (p.Gly567Ser)

Gene: KRT2 (keratin 2; minus strand). Cytogenetic location: 12q13.13.
Variant type: single nucleotide variant.
Coding change: c.1699G>A on transcript NM_000423.3 (MANE Select); coding-DNA position 1699, G replaced by A.
Protein change: p.Gly567Ser; replaces glycine 567 with serine.
Molecular consequence: missense variant.
Genome position (GRCh38, 1-based): chr12:52,645,240, C>T on the plus strand (G>A on the coding strand, the complement: KRT2 is on the minus strand). VCF-style: chr12-52645240-C-T. GRCh37 (hg19) VCF-style: chr12-53039024-C-T.
Other names: short protein forms G567S.
Identifiers: ClinVar variation 880953 (VCV000880953.5), dbSNP rs199836359, ClinGen allele CA6585385.
Genomic context (GRCh38, chr12:52,645,240, plus strand): 5'-CTCCAGAGATGGACCCTCCCTTAGAGCCACCACCAGATCCGTATCTTCCTCCAGAACCAC[C>T]GCCAGAGCCATATCCTCCTCCAGAGATAGAACCTCCTCCTCCACTACCGCCTCTGGAGCC-3'
Protein context (NP_000414.2, residues 557-577): SISGGGYGSG[Gly567Ser]GSGGRYGSGG